The following is an entry in ClinVar:

ClinVar aggregate classification (germline): Uncertain significance (1 of 4 stars; one submission).

Submission:

GeneDx
Classification: Uncertain significance. Last evaluated: 2022-05-02. Review status: criteria provided, single submitter. Criteria: GeneDx Variant Classification Process June 2021. Collection method: clinical testing. Allele origin: germline. Affected: yes.
Comment: Not observed at significant frequency in large population cohorts (gnomAD); In silico analysis supports that this missense variant has a deleterious effect on protein structure/function; Has not been previously published as pathogenic or benign to our knowledge

NM_001080517.3(SETD5):c.2270G>C (p.Arg757Pro)

Gene: SETD5 (SET domain containing 5; plus strand). Cytogenetic location: 3p25.3.
Variant type: single nucleotide variant.
Coding change: c.2270G>C on transcript NM_001080517.3 (MANE Select); coding-DNA position 2270, G replaced by C.
Protein change: p.Arg757Pro; replaces arginine 757 with proline.
Molecular consequence: missense variant.
Genome position (GRCh38, 1-based): chr3:9,448,554, G>C. VCF-style: chr3-9448554-G-C. GRCh37 (hg19) VCF-style: chr3-9490238-G-C.
Other names: c.1976G>C, p.Arg659Pro (NM_001292043.2, NM_001349451.2); short protein forms R659P, R757P.
Identifiers: ClinVar variation 1683974 (VCV001683974.2), dbSNP rs530225114, ClinGen allele CA351701647.